The following is an entry in ClinVar:

NM_030912.3(TRIM8):c.1457C>T (p.Pro486Leu)

Gene: TRIM8 (tripartite motif containing 8; plus strand). Cytogenetic location: 10q24.32.
Variant type: single nucleotide variant.
Coding change: c.1457C>T on transcript NM_030912.3 (MANE Select); coding-DNA position 1457, C replaced by T.
Protein change: p.Pro486Leu; replaces proline 486 with leucine.
Molecular consequence: missense variant. On other transcripts: non-coding transcript variant (1).
Genome position (GRCh38, 1-based): chr10:102,657,155, C>T. VCF-style: chr10-102657155-C-T. GRCh37 (hg19) VCF-style: chr10-104416912-C-T.
Other names: c.1361C>T, p.Pro454Leu (NM_001345950.1); short protein forms P454L, P486L.
Identifiers: ClinVar variation 3328950 (VCV003328950.2).
Genomic context (GRCh38, chr10:102,657,155, plus strand): 5'-TCGTCTGTTCTGTGGACAACTGTTACTGTTCTTCCGTGGCCAACCATGGCGGCCACCAGC[C>T]CTACCCCCGCTCCGGCCACTTTCCCTGGACAGTGCCCTCGCAGGAGTACTCACACCCGCT-3'
Protein context (NP_112174.2, residues 476-496): SSVANHGGHQ[Pro486Leu]YPRSGHFPWT

ClinVar aggregate classification (germline): Uncertain significance. Review status: criteria provided, multiple submitters, no conflicts (2 of 4 stars). 2 submissions from 2 submitters: Uncertain significance (2). Last evaluated 2025-11-27.

Conditions:
Inborn genetic diseases. Identifiers: MedGen C0950123, MeSH D030342.

gnomAD v4.1: 12 of 1,613,780 alleles (0.00074%); highest among the groups gnomAD compares: Admixed American, 0.0017%; no homozygotes.

Submissions (2):

Labcorp Genetics (formerly Invitae), Labcorp
Classification: Uncertain significance. Last evaluated: 2025-11-27. Review status: criteria provided, single submitter. Criteria: Invitae Variant Classification Sherloc (09022015). Collection method: clinical testing. Allele origin: germline.
Comment: This sequence change replaces proline, which is neutral and non-polar, with leucine, which is neutral and non-polar, at codon 486 of the TRIM8 protein (p.Pro486Leu). This variant is not present in population databases (gnomAD no frequency). This variant has not been reported in the literature in individuals affected with TRIM8-related conditions. ClinVar contains an entry for this variant (Variation ID: 3328950). An algorithm developed to predict the effect of missense changes on protein structure and function (PolyPhen-2) suggests that this variant is likely to be disruptive. In summary, the available evidence is currently insufficient to determine the role of this variant in disease. Therefore, it has been classified as a Variant of Uncertain Significance.

Ambry Genetics
Classification: Uncertain significance for Inborn genetic diseases. Last evaluated: 2024-06-17. Review status: criteria provided, single submitter. Criteria: Ambry Variant Classification Scheme 2023. Collection method: clinical testing. Allele origin: germline.